The following is an entry in ClinVar:

NM_000484.4(APP):c.2077G>A (p.Glu693Lys)

Gene: APP (amyloid beta precursor protein; minus strand). Cytogenetic location: 21q21.3.
Variant type: single nucleotide variant.
Coding change: c.2077G>A on transcript NM_000484.4 (MANE Select); coding-DNA position 2077, G replaced by A.
Protein change: p.Glu693Lys; replaces glutamic acid 693 with lysine.
Molecular consequence: missense variant.
Genome position (GRCh38, 1-based): chr21:25,891,856, C>T on the plus strand (G>A on the coding strand, the complement: APP is on the minus strand). VCF-style: chr21-25891856-C-T. GRCh37 (hg19) VCF-style: chr21-27264168-C-T.
Other names: c.2005G>A, p.Glu669Lys (NM_001136016.3); c.1684G>A, p.Glu562Lys (NM_001136129.3); c.1909G>A, p.Glu637Lys (NM_001136130.3, NM_001385253.1); c.1747G>A, p.Glu583Lys (NM_001136131.3); c.2023G>A, p.Glu675Lys (NM_001204301.2); c.1966G>A, p.Glu656Lys (NM_001204302.2); c.1798G>A, p.Glu600Lys (NM_001204303.2); c.2020G>A, p.Glu674Lys (NM_201413.3); and 1 more; short protein forms E693K, E583K, E600K, E656K, E637K, E669K, E674K, E675K.
Identifiers: ClinVar variation 18099 (VCV000018099.2), dbSNP rs63750579, ClinGen allele CA127802.

ClinVar aggregate classification (germline): Pathogenic. Review status: criteria provided, single submitter (1 of 4 stars). 3 submissions from 3 submitters: Pathogenic (1). 2 of the submissions do not count toward it. Last evaluated 2025-08-20.

Conditions:
ABeta amyloidosis, Italian type. Also called: CEREBRAL AMYLOID ANGIOPATHY, APP-RELATED, ITALIAN VARIANT. Identifiers: Orphanet 324713, MedGen C3888308, MONDO:0017947.
Alzheimer disease. Also called: Alzheimer's disease; Presenile and senile dementia. Identifiers: Orphanet 1020, MedGen C0002395, MeSH D000544, MONDO:0004975, HP:0002511.

Submissions (3):

Labcorp Genetics (formerly Invitae), Labcorp
Classification: Pathogenic for Alzheimer disease. Last evaluated: 2025-08-20. Review status: criteria provided, single submitter. Criteria: Invitae Variant Classification Sherloc (09022015). Collection method: clinical testing. Allele origin: germline.
Comment: This sequence change replaces glutamic acid, which is acidic and polar, with lysine, which is basic and polar, at codon 693 of the APP protein (p.Glu693Lys). This variant is not present in population databases (gnomAD no frequency). This missense change has been observed in individuals with APP-related conditions (PMID: 10821838, 20697050, 27858710). It has also been observed to segregate with disease in related individuals. This variant is also known as p.Glu22Lys. ClinVar contains an entry for this variant (Variation ID: 18099). Invitae Evidence Modeling of protein sequence and biophysical properties (such as structural, functional, and spatial information, amino acid conservation, physicochemical variation, residue mobility, and thermodynamic stability) has been performed for this missense variant. However, the output from this modeling did not meet the statistical confidence thresholds required to predict the impact of this variant on APP protein function. Experimental studies have shown that this missense change affects APP function (PMID: 10821838, 19908073). This variant disrupts the p.Glu693 amino acid residue in APP. Other variant(s) that disrupt this residue have been determined to be pathogenic (PMID: 2111584, 11004129, 23919771). This suggests that this residue is clinically significant, and that variants that disrupt this residue are likely to be disease-causing. For these reasons, this variant has been classified as Pathogenic.

OMIM
Classification: Pathogenic for CEREBRAL AMYLOID ANGIOPATHY, APP-RELATED, ITALIAN VARIANT. Last evaluated: 2010-08-01. Review status: no assertion criteria provided. Collection method: literature only. Allele origin: germline. Not counted in ClinVar's aggregate classification.

VIB  Department of Molecular Genetics, University of Antwerp
No classification provided. Review status: no classification provided. Collection method: not provided. Allele origin: not provided. Not counted in ClinVar's aggregate classification.

Literature cited by the submitters: PubMed 10821838 (cited by Labcorp Genetics (formerly Invitae), Labcorp and OMIM); PubMed 20697050 (cited by Labcorp Genetics (formerly Invitae), Labcorp and OMIM); PubMed 27858710 (cited by Labcorp Genetics (formerly Invitae), Labcorp); PubMed 19908073 (cited by Labcorp Genetics (formerly Invitae), Labcorp); PubMed 2111584 (cited by Labcorp Genetics (formerly Invitae), Labcorp); PubMed 11004129 (cited by Labcorp Genetics (formerly Invitae), Labcorp); PubMed 23919771 (cited by Labcorp Genetics (formerly Invitae), Labcorp).